The following is an entry in ClinVar:

NM_001283009.2(RTEL1):c.643C>A (p.Leu215Met)

Genes: RTEL1 (regulator of telomere elongation helicase 1; plus strand), RTEL1-TNFRSF6B (RTEL1-TNFRSF6B readthrough (NMD candidate); plus strand). Cytogenetic location: 20q13.33.
Variant type: single nucleotide variant.
Coding change: c.643C>A on transcript NM_001283009.2 (MANE Select); coding-DNA position 643, C replaced by A.
Protein change: p.Leu215Met; replaces leucine 215 with methionine.
Molecular consequence: missense variant. On other transcripts: non-coding transcript variant (1), 5 prime UTR variant (1).
Genome position (GRCh38, 1-based): chr20:63,667,497, C>A. VCF-style: chr20-63667497-C-A. GRCh37 (hg19) VCF-style: chr20-62298850-C-A.
Other names: c.-27C>A (NM_001283010.1); c.643C>A, p.Leu215Met (NM_016434.4); c.715C>A, p.Leu239Met (NM_032957.5); short protein forms L215M, L239M.
Identifiers: ClinVar variation 4157637 (VCV004157637.1).

ClinVar aggregate classification (germline): Uncertain significance (1 of 4 stars; one submission).

Conditions:
Inborn genetic diseases. Identifiers: MedGen C0950123, MeSH D030342.

Submission:

Ambry Genetics
Classification: Uncertain significance for Inborn genetic diseases. Last evaluated: 2025-08-02. Review status: criteria provided, single submitter. Criteria: Ambry Variant Classification Scheme 2023. Collection method: clinical testing. Allele origin: germline.
Comment: The p.L215M variant (also known as c.643C>A), located in coding exon 7 of the RTEL1 gene, results from a C to A substitution at nucleotide position 643. The leucine at codon 215 is replaced by methionine, an amino acid with highly similar properties. This amino acid position is conserved. In addition, this alteration is predicted to be tolerated by in silico analysis. Based on the available evidence, the clinical significance of this variant remains unclear.